The following is an entry in ClinVar:

ClinVar aggregate classification (germline): Uncertain significance (1 of 4 stars; one submission).

Conditions:
Rubinstein-Taybi syndrome due to EP300 haploinsufficiency. Also called: EP300-Related Rubinstein-Taybi Syndrome; RUBINSTEIN-TAYBI SYNDROME 2. Identifiers: Orphanet 353284, Orphanet 783, MedGen C3150941, MONDO:0013364, OMIM 613684.

Submission:

Labcorp Genetics (formerly Invitae), Labcorp
Classification: Uncertain significance for Rubinstein-Taybi syndrome due to EP300 haploinsufficiency. Last evaluated: 2024-05-06. Review status: criteria provided, single submitter. Criteria: Invitae Variant Classification Sherloc (09022015). Collection method: clinical testing. Allele origin: germline.
Comment: This sequence change replaces threonine, which is neutral and polar, with asparagine, which is neutral and polar, at codon 1357 of the EP300 protein (p.Thr1357Asn). This variant is not present in population databases (gnomAD no frequency). This variant has not been reported in the literature in individuals affected with EP300-related conditions. Advanced modeling of protein sequence and biophysical properties (such as structural, functional, and spatial information, amino acid conservation, physicochemical variation, residue mobility, and thermodynamic stability) performed at Invitae indicates that this missense variant is not expected to disrupt EP300 protein function with a negative predictive value of 80%. In summary, the available evidence is currently insufficient to determine the role of this variant in disease. Therefore, it has been classified as a Variant of Uncertain Significance.

NM_001429.4(EP300):c.4070C>A (p.Thr1357Asn)

Gene: EP300 (EP300 lysine acetyltransferase; plus strand). Cytogenetic location: 22q13.2.
Variant type: single nucleotide variant.
Coding change: c.4070C>A on transcript NM_001429.4 (MANE Select); coding-DNA position 4070, C replaced by A.
Protein change: p.Thr1357Asn; replaces threonine 1357 with asparagine.
Molecular consequence: missense variant.
Genome position (GRCh38, 1-based): chr22:41,168,765, C>A. VCF-style: chr22-41168765-C-A. GRCh37 (hg19) VCF-style: chr22-41564769-C-A.
Other names: c.3992C>A, p.Thr1331Asn (NM_001362843.2); short protein forms T1331N, T1357N.
Identifiers: ClinVar variation 2705502 (VCV002705502.3), dbSNP rs1347049247, ClinGen allele CA411699972.